The following is an entry in ClinVar:

ClinVar aggregate classification (germline): Conflicting classifications of pathogenicity. Review status: criteria provided, conflicting classifications (1 of 4 stars). 2 submissions from 2 submitters: Likely pathogenic (1); Uncertain significance (1). Last evaluated 2025-11-13.

Conditions:
Alzheimer disease 3 (AD3). Also called: ALZHEIMER DISEASE, FAMILIAL, 3. Identifiers: Orphanet 1020, MedGen C1843013, MONDO:0011913, OMIM 607822.
Frontotemporal dementia (FTD1). Also called: FRONTOTEMPORAL DEMENTIA WITH PARKINSONISM; FRONTOTEMPORAL LOBE DEMENTIA; MULTIPLE SYSTEM TAUOPATHY WITH PRESENILE DEMENTIA; WILHELMSEN-LYNCH DISEASE; Frontotemporal Dementia with Parkinsonism-17 (FTDP-17); FRONTOTEMPORAL LOBAR DEGENERATION WITH TAU INCLUSIONS. Identifiers: Orphanet 282, MedGen C0338451, MONDO:0017276, OMIM 600274, HP:0002145.
Pick disease. Also called: Pick's disease; Pick Disease of the Brain; LOBAR ATROPHY OF BRAIN; PICK DISEASE OF BRAIN; DEMENTIA WITH LOBAR ATROPHY AND NEURONAL CYTOPLASMIC INCLUSIONS. Identifiers: Orphanet 282, MedGen C0236642, MONDO:0008243, OMIM 172700.
Acne inversa, familial, 3 (ACNINV3). Identifiers: MedGen C3151038, MONDO:0013398, OMIM 613737.

Allele frequency attached by ClinVar (database versions not stated): gnomAD exomes below 0.00001.
gnomAD v4.1: 1 of 1,613,892 alleles (0.000062%); highest among the groups gnomAD compares: South Asian, 0.0011%; no homozygotes.

Submissions (2):

Variantyx, Inc.
Classification: Likely pathogenic for Alzheimer disease 3. Last evaluated: 2025-11-13. Review status: criteria provided, single submitter. Criteria: Variantyx Assertion Criteria 2022. Collection method: clinical testing. Allele origin: germline. Inheritance: Autosomal dominant inheritance. Affected: yes.
Comment: This is a nonsynonymous variant in the PSEN1 gene (OMIM: 104311). Pathogenic variants in this gene have been associated with autosomal dominant Alzheimer disease 3. This variant has been reported in at least four affected individuals (PMID: 22503161) (PS4). and it has been observed to segregate with disease in at least 4 individuals from one family (PMID: 22503161) (PP1). Functional studies have shown that this variant alters PSEN1 protein function (PMID: 27930341) (PS3_Moderate), and multiple computational algorithms predict a deleterious effect for this variant (REVEL score: 0.942) (PP3). Moreover, the alteration lies within a known hotspot for pathogenic variants or a well-established critical functional domain of the PSEN1 protein (PM1). This variant has a 0.0014% maximum allele frequency in non-founder control populations (PM2). Based on the current evidence, this variant is classified as likely pathogenic for autosomal dominant Alzheimer disease 3.

Labcorp Genetics (formerly Invitae), Labcorp
Classification: Uncertain significance for Alzheimer disease 3; Pick disease; Acne inversa, familial, 3; Frontotemporal dementia. Last evaluated: 2021-09-01. Review status: criteria provided, single submitter. Criteria: Invitae Variant Classification Sherloc (09022015). Collection method: clinical testing. Allele origin: germline.

Literature cited by the submitters: PubMed 22503161 (cited by Variantyx, Inc.); PubMed 27930341 (cited by Variantyx, Inc.).

NM_000021.4(PSEN1):c.401T>G (p.Leu134Arg)

Gene: PSEN1 (presenilin 1; plus strand). Cytogenetic location: 14q24.2.
Variant type: single nucleotide variant.
Coding change: c.401T>G on transcript NM_000021.4 (MANE Select); coding-DNA position 401, T replaced by G.
Protein change: p.Leu134Arg; replaces leucine 134 with arginine.
Molecular consequence: missense variant.
Genome position (GRCh38, 1-based): chr14:73,173,628, T>G. VCF-style: chr14-73173628-T-G. GRCh37 (hg19) VCF-style: chr14-73640336-T-G.
Other names: c.389T>G, p.Leu130Arg (NM_007318.3); short protein forms L134R, L130R.
Identifiers: ClinVar variation 665345 (VCV000665345.5), dbSNP rs1595002439, ClinGen allele CA390304887.